The following is an entry in ClinVar:

NM_006904.7(PRKDC):c.3675G>T (p.Glu1225Asp)

Gene: PRKDC (protein kinase, DNA-activated, catalytic subunit; minus strand). Cytogenetic location: 8q11.21.
Variant type: single nucleotide variant.
Coding change: c.3675G>T on transcript NM_006904.7 (MANE Select); coding-DNA position 3675, G replaced by T.
Protein change: p.Glu1225Asp; replaces glutamic acid 1225 with aspartic acid.
Molecular consequence: missense variant.
Genome position (GRCh38, 1-based): chr8:47,893,311, C>A on the plus strand (G>T on the coding strand, the complement: PRKDC is on the minus strand). VCF-style: chr8-47893311-C-A. GRCh37 (hg19) VCF-style: chr8-48805871-C-A.
Other names: c.3675G>T, p.Glu1225Asp (NM_001081640.2); short protein forms E1225D.
Identifiers: ClinVar variation 2497364 (VCV002497364.2), dbSNP rs763655576, ClinGen allele CA371150819.

ClinVar aggregate classification (germline): Uncertain significance (1 of 4 stars; one submission).

gnomAD v4.1: 10 of 1,604,080 alleles (0.00062%); highest among the groups gnomAD compares: East Asian, 0.0045%; no homozygotes.

Submission:

Ambry Genetics
Classification: Uncertain significance. Last evaluated: 2022-12-19. Review status: criteria provided, single submitter. Criteria: Ambry Variant Classification Scheme 2023. Collection method: clinical testing. Allele origin: germline.
Comment: The p.E1225D variant (also known as c.3675G>T), located in coding exon 31 of the PRKDC gene, results from a G to T substitution at nucleotide position 3675. The glutamic acid at codon 1225 is replaced by aspartic acid, an amino acid with highly similar properties. This amino acid position is conserved. In addition, this alteration is predicted to be tolerated by in silico analysis. Since supporting evidence is limited at this time, the clinical significance of this alteration remains unclear.